The following is an entry in ClinVar:

NM_000132.4(F8):c.1475A>G (p.Tyr492Cys)

Gene: F8 (coagulation factor VIII; minus strand). Cytogenetic location: Xq28.
Variant type: single nucleotide variant.
Coding change: c.1475A>G on transcript NM_000132.4 (MANE Select); coding-DNA position 1475, A replaced by G.
Protein change: p.Tyr492Cys; replaces tyrosine 492 with cysteine.
Molecular consequence: missense variant.
Genome position (GRCh38, 1-based): chrX:154,961,137, T>C on the plus strand (A>G on the coding strand, the complement: F8 is on the minus strand). VCF-style: chrX-154961137-T-C. GRCh37 (hg19) VCF-style: chrX-154189412-T-C.
Other names: p.Tyr492Cys; short protein forms Y492C.
Identifiers: ClinVar variation 1705974 (VCV001705974.4), dbSNP rs137852412, ClinGen allele CA337334224.

ClinVar aggregate classification (germline): Likely pathogenic (1 of 4 stars; one submission).

Allele frequency attached by ClinVar (database versions not stated): TOPMed 0.00002.

Submission:

Mayo Clinic Laboratories, Mayo Clinic
Classification: Likely pathogenic. Last evaluated: 2021-06-14. Review status: criteria provided, single submitter. Criteria: ACMG Guidelines, 2015. Collection method: clinical testing. Allele origin: germline.
Comment: PP3, PM2, PM5, PS4_Moderate

Literature cited by the submitters: PubMed 1924291; PubMed 19473423; PubMed 9326186; PubMed 23625609.